The following is an entry in ClinVar:

ClinVar aggregate classification (germline): Uncertain significance. Review status: criteria provided, multiple submitters, no conflicts (2 of 4 stars). 2 submissions from 2 submitters: Uncertain significance (2). Last evaluated 2024-05-27.

Conditions:
Schizophrenia 4 (SCZD4). Also called: SCHIZOPHRENIA SUSCEPTIBILITY LOCUS, CHROMOSOME 22q11-RELATED; SCHIZOPHRENIA, SUSCEPTIBILITY TO, 4. Identifiers: MedGen C1833247, MONDO:0010943, OMIM 600850.
Proline dehydrogenase deficiency (HYRPRO1). Also called: Hyperprolinemia type 1; PROLINE OXIDASE DEFICIENCY. Identifiers: Orphanet 419, MedGen C0268529, MONDO:0009400, OMIM 239500.

Submissions (2):

Fulgent Genetics
Classification: Uncertain significance for Proline dehydrogenase deficiency; Schizophrenia 4. Last evaluated: 2024-05-27. Review status: criteria provided, single submitter. Criteria: ACMG Guidelines, 2015. Collection method: clinical testing. Allele origin: germline.

Labcorp Genetics (formerly Invitae), Labcorp
Classification: Uncertain significance for Proline dehydrogenase deficiency. Last evaluated: 2022-02-14. Review status: criteria provided, single submitter. Criteria: Invitae Variant Classification Sherloc (09022015). Collection method: clinical testing. Allele origin: germline.
Comment: In summary, the available evidence is currently insufficient to determine the role of this variant in disease. Therefore, it has been classified as a Variant of Uncertain Significance. Algorithms developed to predict the effect of missense changes on protein structure and function (SIFT, PolyPhen-2, Align-GVGD) all suggest that this variant is likely to be tolerated. This variant has not been reported in the literature in individuals affected with PRODH-related conditions. This variant is not present in population databases (gnomAD no frequency). This sequence change replaces proline, which is neutral and non-polar, with leucine, which is neutral and non-polar, at codon 51 of the PRODH protein (p.Pro51Leu).

NM_016335.6(PRODH):c.152C>T (p.Pro51Leu)

Gene: PRODH (proline dehydrogenase 1; minus strand). Cytogenetic location: 22q11.21.
Variant type: single nucleotide variant.
Coding change: c.152C>T on transcript NM_016335.6 (MANE Select); coding-DNA position 152, C replaced by T.
Protein change: p.Pro51Leu; replaces proline 51 with leucine.
Molecular consequence: missense variant. On other transcripts: intron variant (2).
Genome position (GRCh38, 1-based): chr22:18,936,136, G>A on the plus strand (C>T on the coding strand, the complement: PRODH is on the minus strand). VCF-style: chr22-18936136-G-A. GRCh37 (hg19) VCF-style: chr22-18923649-G-A.
Other names: c.-52+254C>T (NM_001195226.2); c.-52+34C>T (NM_001368250.2); short protein forms P51L.
Identifiers: ClinVar variation 1926318 (VCV001926318.6), dbSNP rs2517463348, ClinGen allele CA410654009.